The following is an entry in ClinVar:

ClinVar aggregate classification (germline): Uncertain significance (1 of 4 stars; one submission).

Conditions:
Mowat-Wilson syndrome (MOWS). Also called: Classic Mowat-Wilson Syndrome. Identifiers: Orphanet 2152, MedGen C1856113, MONDO:0009341, OMIM 235730.

Submission:

Labcorp Genetics (formerly Invitae), Labcorp
Classification: Uncertain significance for Mowat-Wilson syndrome. Last evaluated: 2025-06-22. Review status: criteria provided, single submitter. Criteria: Invitae Variant Classification Sherloc (09022015). Collection method: clinical testing. Allele origin: germline.
Comment: This sequence change replaces proline, which is neutral and non-polar, with serine, which is neutral and polar, at codon 1176 of the ZEB2 protein (p.Pro1176Ser). This variant is present in population databases (no rsID available, gnomAD 0.007%). This variant has not been reported in the literature in individuals affected with ZEB2-related conditions. Invitae Evidence Modeling of protein sequence and biophysical properties (such as structural, functional, and spatial information, amino acid conservation, physicochemical variation, residue mobility, and thermodynamic stability) indicates that this missense variant is not expected to disrupt ZEB2 protein function with a negative predictive value of 80%. In summary, the available evidence is currently insufficient to determine the role of this variant in disease. Therefore, it has been classified as a Variant of Uncertain Significance.

NM_014795.4(ZEB2):c.3526C>T (p.Pro1176Ser)

Gene: ZEB2 (zinc finger E-box binding homeobox 2; minus strand). Cytogenetic location: 2q22.3.
Variant type: single nucleotide variant.
Coding change: c.3526C>T on transcript NM_014795.4 (MANE Select); coding-DNA position 3526, C replaced by T.
Protein change: p.Pro1176Ser; replaces proline 1176 with serine.
Molecular consequence: missense variant.
Genome position (GRCh38, 1-based): chr2:144,389,570, G>A on the plus strand (C>T on the coding strand, the complement: ZEB2 is on the minus strand). VCF-style: chr2-144389570-G-A. GRCh37 (hg19) VCF-style: chr2-145147137-G-A.
Other names: c.3454C>T, p.Pro1152Ser (NM_001171653.2); short protein forms P1152S, P1176S.
Identifiers: ClinVar variation 4744906 (VCV004744906.1).